The following is an entry in ClinVar:

NM_000642.3(AGL):c.4436T>A (p.Val1479Asp)

Gene: AGL (amylo-alpha-1,6-glucosidase and 4-alpha-glucanotransferase; plus strand). Cytogenetic location: 1p21.2.
Variant type: single nucleotide variant.
Coding change: c.4436T>A on transcript NM_000642.3 (MANE Select); coding-DNA position 4436, T replaced by A.
Protein change: p.Val1479Asp; replaces valine 1479 with aspartic acid.
Molecular consequence: missense variant.
Genome position (GRCh38, 1-based): chr1:99,916,686, T>A. VCF-style: chr1-99916686-T-A. GRCh37 (hg19) VCF-style: chr1-100382242-T-A.
Other names: c.4436T>A, p.Val1479Asp (NM_000644.3, NM_001425325.1, NM_000028.3 and 1 more transcripts); c.4388T>A, p.Val1463Asp (NM_000646.3); c.4415T>A, p.Val1472Asp (NM_001425326.1); c.4235T>A, p.Val1412Asp (NM_001425327.1); c.4232T>A, p.Val1411Asp (NM_001425328.1); c.4097T>A, p.Val1366Asp (NM_001425329.1); c.4058T>A, p.Val1353Asp (NM_001425332.1); short protein forms V1479D, V1463D, V1353D, V1366D, V1411D, V1412D, V1472D.
Identifiers: ClinVar variation 2102226 (VCV002102226.4), dbSNP rs770178156, ClinGen allele CA341342578.

ClinVar aggregate classification (germline): Uncertain significance (1 of 4 stars; one submission).

Conditions:
Glycogen storage disease type III (GSD3). Also called: FORBES DISEASE; Cori disease. Identifiers: Orphanet 366, MedGen C0017922, MONDO:0009291, OMIM 232400.

Submission:

Labcorp Genetics (formerly Invitae), Labcorp
Classification: Uncertain significance for Glycogen storage disease type III. Last evaluated: 2022-02-22. Review status: criteria provided, single submitter. Criteria: Invitae Variant Classification Sherloc (09022015). Collection method: clinical testing. Allele origin: germline.
Comment: This variant is not present in population databases (gnomAD no frequency). This variant has not been reported in the literature in individuals affected with AGL-related conditions. Algorithms developed to predict the effect of missense changes on protein structure and function (SIFT, PolyPhen-2, Align-GVGD) all suggest that this variant is likely to be tolerated. In summary, the available evidence is currently insufficient to determine the role of this variant in disease. Therefore, it has been classified as a Variant of Uncertain Significance. This sequence change replaces valine, which is neutral and non-polar, with aspartic acid, which is acidic and polar, at codon 1479 of the AGL protein (p.Val1479Asp).